The following is an entry in ClinVar:

ClinVar aggregate classification (germline): Uncertain significance (1 of 4 stars; one submission).

Conditions:
Familial focal epilepsy with variable foci (FPEVF). Identifiers: Orphanet 98820, MedGen C1858477, MONDO:0020310.

Submission:

Labcorp Genetics (formerly Invitae), Labcorp
Classification: Uncertain significance for Familial focal epilepsy with variable foci. Last evaluated: 2025-01-30. Review status: criteria provided, single submitter. Criteria: Invitae Variant Classification Sherloc (09022015). Collection method: clinical testing. Allele origin: germline.
Comment: This sequence change results in a frameshift in the DEPDC5 gene (p.Arg1583Valfs*49). While this is not anticipated to result in nonsense mediated decay, it is expected to disrupt the last 21 amino acid(s) of the DEPDC5 protein and extend the protein by 27 additional amino acid residues. This variant is not present in population databases (gnomAD no frequency). This frameshift has been observed in individual(s) with clinical features of familial focal epilepsy with variable foci (internal data). ClinVar contains an entry for this variant (Variation ID: 2022943). Experimental studies and prediction algorithms are not available or were not evaluated, and the functional significance of this variant is currently unknown. This variant results in an extension of the DEPDC5 protein. Other variant(s) that result in a similarly extended protein product (p.Arg1583Profs*36) have been observed in individuals with DEPDC5-related disease (internal data). This suggests that these extensions may be clinically significant. In summary, the available evidence is currently insufficient to determine the role of this variant in disease. Therefore, it has been classified as a Variant of Uncertain Significance.

NM_001242896.3(DEPDC5):c.4747del (p.Arg1583fs)

Gene: DEPDC5 (DEP domain containing 5, GATOR1 subcomplex subunit; plus strand). Cytogenetic location: 22q12.3.
Variant type: Deletion.
Coding change: c.4747del on transcript NM_001242896.3 (MANE Select); coding-DNA position 4747, one base deleted (C; older notation c.4747delC).
Protein change: p.Arg1583fs; shifts the reading frame from arginine 1583.
Molecular consequence: frameshift variant. On other transcripts: non-coding transcript variant (5).
Genome position (GRCh38, 1-based): chr22:31,906,432, C deleted; the last of 2 consecutive C bases (chr22:31,906,431-31,906,432); deleting either gives the same sequence. VCF-style (leftmost placement, unchanged base first): chr22-31906430-AC-A. GRCh37 (hg19) VCF-style: chr22-32302416-AC-A.
Other names: c.4720del, p.Arg1574fs (NM_001136029.4); c.4447del, p.Arg1483fs (NM_001242897.2); c.4681del, p.Arg1561fs (NM_001363852.2, NM_001364320.2); c.4513del, p.Arg1505fs (NM_001363854.2, NM_001364319.2); c.4747del, p.Arg1583fs (NM_001364318.2); c.4663del, p.Arg1555fs (NM_001369901.1, NM_001369902.1); c.4654del, p.Arg1552fs (NM_001369903.1, NM_014662.6); short protein forms R1483fs, R1505fs, R1555fs, R1583fs, R1552fs, R1561fs, R1574fs.
Identifiers: ClinVar variation 2022943 (VCV002022943.4), dbSNP rs2523603002, ClinGen allele CA2580099667.